The following is an entry in ClinVar:

NM_000051.4(ATM):c.1461T>C (p.Ile487=)

Gene: ATM (ATM serine/threonine kinase; plus strand). Cytogenetic location: 11q22.3.
Variant type: single nucleotide variant.
Coding change: c.1461T>C on transcript NM_000051.4 (MANE Select); coding-DNA position 1461, T replaced by C.
Protein change: p.Ile487=; no amino-acid change (isoleucine 487 retained).
Molecular consequence: synonymous variant.
Genome position (GRCh38, 1-based): chr11:108,250,926, T>C. VCF-style: chr11-108250926-T-C. GRCh37 (hg19) VCF-style: chr11-108121653-T-C.
Other names: c.1461T>C, p.Ile487= (NM_001351834.2).
Identifiers: ClinVar variation 3254191 (VCV003254191.1), dbSNP rs2080108393.

ClinVar aggregate classification (germline): Benign (1 of 4 stars; one submission).

Conditions:
Familial cancer of breast. Also called: BREAST CANCER, FAMILIAL; Hereditary breast cancer; hereditary breast carcinoma. Identifiers: Orphanet 227535, MedGen C0346153, MONDO:0016419, OMIM 114480. Disease mechanism: loss of function.

Submission:

Myriad Genetics, Inc.
Classification: Benign for Familial cancer of breast. Last evaluated: 2024-04-29. Review status: criteria provided, single submitter. Criteria: Myriad Autosomal Dominant, Autosomal Recessive and X-Linked Classification Criteria (2023). Collection method: clinical testing. Allele origin: unknown.
Comment: This variant is considered benign. This variant is a silent/synonymous amino acid change and it is not expected to impact splicing.